The following is an entry in ClinVar:

NM_172364.5(CACNA2D4):c.800A>G (p.Asp267Gly)

Gene: CACNA2D4 (calcium voltage-gated channel auxiliary subunit alpha2delta 4; minus strand). Cytogenetic location: 12p13.33.
Variant type: single nucleotide variant.
Coding change: c.800A>G on transcript NM_172364.5 (MANE Select); coding-DNA position 800, A replaced by G.
Protein change: p.Asp267Gly; replaces aspartic acid 267 with glycine.
Molecular consequence: missense variant.
Genome position (GRCh38, 1-based): chr12:1,887,051, T>C on the plus strand (A>G on the coding strand, the complement: CACNA2D4 is on the minus strand). VCF-style: chr12-1887051-T-C. GRCh37 (hg19) VCF-style: chr12-1996217-T-C.
Other names: short protein forms D267G.
Identifiers: ClinVar variation 1368536 (VCV001368536.6), dbSNP rs2154449860, ClinGen allele CA383361512.

ClinVar aggregate classification (germline): Uncertain significance (1 of 4 stars; one submission).

Submission:

Labcorp Genetics (formerly Invitae), Labcorp
Classification: Uncertain significance. Last evaluated: 2025-04-16. Review status: criteria provided, single submitter. Criteria: Invitae Variant Classification Sherloc (09022015). Collection method: clinical testing. Allele origin: germline.
Comment: This sequence change replaces aspartic acid, which is acidic and polar, with glycine, which is neutral and non-polar, at codon 267 of the CACNA2D4 protein (p.Asp267Gly). This variant is not present in population databases (gnomAD no frequency). This variant has not been reported in the literature in individuals affected with CACNA2D4-related conditions. ClinVar contains an entry for this variant (Variation ID: 1368536). An algorithm developed to predict the effect of missense changes on protein structure and function (PolyPhen-2) suggests that this variant is likely to be disruptive. In summary, the available evidence is currently insufficient to determine the role of this variant in disease. Therefore, it has been classified as a Variant of Uncertain Significance.